The following is an entry in ClinVar:

ClinVar aggregate classification (germline): Uncertain significance. Review status: criteria provided, multiple submitters, no conflicts (2 of 4 stars). 2 submissions from 2 submitters: Uncertain significance (2). Last evaluated 2025-07-15.

Conditions:
Inborn genetic diseases. Identifiers: MedGen C0950123, MeSH D030342.

Allele frequency attached by ClinVar (database versions not stated): gnomAD exomes below 0.00001; TOPMed below 0.00001; ExAC 0.00001; gnomAD 0.00001.
gnomAD v4.1: 7 of 1,613,890 alleles (0.00043%); highest among the groups gnomAD compares: Non-Finnish European, 0.00059%; no homozygotes.

Submissions (2):

Ambry Genetics
Classification: Uncertain significance for Inborn genetic diseases. Last evaluated: 2025-07-15. Review status: criteria provided, single submitter. Criteria: Ambry Variant Classification Scheme 2023. Collection method: clinical testing. Allele origin: germline.

Labcorp Genetics (formerly Invitae), Labcorp
Classification: Uncertain significance. Last evaluated: 2024-10-29. Review status: criteria provided, single submitter. Criteria: Invitae Variant Classification Sherloc (09022015). Collection method: clinical testing. Allele origin: germline.
Comment: This sequence change replaces valine, which is neutral and non-polar, with methionine, which is neutral and non-polar, at codon 443 of the TRPM1 protein (p.Val443Met). This variant is present in population databases (rs768003606, gnomAD 0.0009%). This variant has not been reported in the literature in individuals affected with TRPM1-related conditions. ClinVar contains an entry for this variant (Variation ID: 1954706). Invitae Evidence Modeling of protein sequence and biophysical properties (such as structural, functional, and spatial information, amino acid conservation, physicochemical variation, residue mobility, and thermodynamic stability) indicates that this missense variant is not expected to disrupt TRPM1 protein function with a negative predictive value of 95%. In summary, the available evidence is currently insufficient to determine the role of this variant in disease. Therefore, it has been classified as a Variant of Uncertain Significance.

NM_001252024.2(TRPM1):c.1393G>A (p.Val465Met)

Gene: TRPM1 (transient receptor potential cation channel subfamily M member 1; minus strand). Cytogenetic location: 15q13.3.
Variant type: single nucleotide variant.
Coding change: c.1393G>A on transcript NM_001252024.2 (MANE Select); coding-DNA position 1393, G replaced by A.
Protein change: p.Val465Met; replaces valine 465 with methionine.
Molecular consequence: missense variant.
Genome position (GRCh38, 1-based): chr15:31,050,453, C>T on the plus strand (G>A on the coding strand, the complement: TRPM1 is on the minus strand). VCF-style: chr15-31050453-C-T. GRCh37 (hg19) VCF-style: chr15-31342656-C-T.
Other names: c.1327G>A (NM_002420.4); c.1444G>A, p.Val482Met (NM_001252020.2); c.1327G>A, p.Val443Met (NM_002420.6); short protein forms V482M, V443M, V465M.
Identifiers: ClinVar variation 1954706 (VCV001954706.5), dbSNP rs768003606, ClinGen allele CA7452585.
Genomic context (GRCh38, chr15:31,050,453, plus strand): 5'-GTGACCTTCCACATACCCAGTTCAGCAGCTCTATCTTCCGGGGGTCAGTTTCTTCCTCCA[C>T]TTCCTCTTTCACTTTCCCTTTCTTCTTGCCTTTCCCTTTTCCTCTTCCTCCCTTGGTGGT-3'
Protein context (NP_001238953.1, residues 455-475): GKKKGKVKEE[Val465Met]EEETDPRKIE